The following is an entry in ClinVar:

ClinVar aggregate classification (germline): Benign (1 of 4 stars; one submission).

Allele frequency attached by ClinVar (database versions not stated): TOPMed 0.07955; 1000 Genomes Project 0.08367; 1000 Genomes Project 30x 0.08869.
gnomAD v4.1: 9,503 of 123,140 alleles (7.7%); highest among the groups gnomAD compares: African/African-American, 27%; 1,074 homozygotes.

Submission:

GeneDx
Classification: Benign. Last evaluated: 2018-06-16. Review status: criteria provided, single submitter. Criteria: GeneDx Variant Classification (06012015). Collection method: clinical testing. Allele origin: germline. Affected: yes.
Comment: This variant is considered likely benign or benign based on one or more of the following criteria: it is a conservative change, it occurs at a poorly conserved position in the protein, it is predicted to be benign by multiple in silico algorithms, and/or has population frequency not consistent with disease.

NM_001605.3(AARS1):c.144+304C>T

Gene: AARS1 (alanyl-tRNA synthetase 1; minus strand). Cytogenetic location: 16q22.1.
Variant type: single nucleotide variant.
Coding change: c.144+304C>T on transcript NM_001605.3 (MANE Select); 304 bases into the intron after coding-DNA position 144, C replaced by T.
Molecular consequence: intron variant.
Genome position (GRCh38, 1-based): chr16:70,282,316, G>A on the plus strand (C>T on the coding strand, the complement: AARS1 is on the minus strand). VCF-style: chr16-70282316-G-A. GRCh37 (hg19) VCF-style: chr16-70316219-G-A.
Identifiers: ClinVar variation 673435 (VCV000673435.1), dbSNP rs148545126, ClinGen allele CA14316561.